The following is an entry in ClinVar:

NM_000245.4(MET):c.921A>G (p.Arg307=)

Gene: MET (MET proto-oncogene, receptor tyrosine kinase; plus strand). Cytogenetic location: 7q31.2.
Variant type: single nucleotide variant.
Coding change: c.921A>G on transcript NM_000245.4 (MANE Select); coding-DNA position 921, A replaced by G.
Protein change: p.Arg307=; no amino-acid change (arginine 307 retained).
Molecular consequence: synonymous variant. On other transcripts: intron variant (1).
Genome position (GRCh38, 1-based): chr7:116,700,005, A>G. VCF-style: chr7-116700005-A-G. GRCh37 (hg19) VCF-style: chr7-116340059-A-G.
Other names: c.921A>G, p.Arg307= (NM_001127500.3, NM_001324401.3); c.-91+27428A>G (NM_001324402.2).
Identifiers: ClinVar variation 1097830 (VCV001097830.10), dbSNP rs2116601014, ClinGen allele CA457448105.

ClinVar aggregate classification (germline): Benign/Likely benign. Review status: criteria provided, multiple submitters, no conflicts (2 of 4 stars). 2 submissions from 2 submitters: Benign (1); Likely benign (1). Last evaluated 2024-11-06.

Conditions:
Papillary renal cell carcinoma type 1 (RCCP1). Also called: Renal adenocarcinoma; Renal cell carcinoma 1; Renal cell carcinoma, somatic; RENAL CELL CARCINOMA, PAPILLARY, 1, SOMATIC. Identifiers: Orphanet 47044, MedGen C1336839, OMIM 605074, HP:0011797.
Renal cell carcinoma. Identifiers: Orphanet 217071, MedGen C0007134, MeSH D002292, MONDO:0005086, HP:0005584.

Submissions (2):

Myriad Genetics, Inc.
Classification: Benign for Papillary renal cell carcinoma type 1. Last evaluated: 2024-11-06. Review status: criteria provided, single submitter. Criteria: Myriad Autosomal Dominant, Autosomal Recessive and X-Linked Classification Criteria (2023). Collection method: clinical testing. Allele origin: unknown.
Comment: This variant is considered benign. This variant is a silent/synonymous amino acid change and it is not expected to impact splicing.

Labcorp Genetics (formerly Invitae), Labcorp
Classification: Likely benign for Renal cell carcinoma. Last evaluated: 2021-12-27. Review status: criteria provided, single submitter. Criteria: Invitae Variant Classification Sherloc (09022015). Collection method: clinical testing. Allele origin: germline.